The following is an entry in ClinVar:

NM_000823.4(GHRHR):c.*6C>G

Gene: GHRHR (growth hormone releasing hormone receptor; plus strand). Cytogenetic location: 7p14.3.
Variant type: single nucleotide variant.
Coding change: c.*6C>G on transcript NM_000823.4 (MANE Select); 6 bases downstream of the stop codon, C replaced by G.
Molecular consequence: 3 prime UTR variant.
Genome position (GRCh38, 1-based): chr7:30,979,250, C>G. VCF-style: chr7-30979250-C-G. GRCh37 (hg19) VCF-style: chr7-31018865-C-G.
Identifiers: ClinVar variation 3907589 (VCV003907589.1).

ClinVar aggregate classification (germline): Uncertain significance (1 of 4 stars; one submission).

gnomAD v4.1: 3 of 1,613,454 alleles (0.00019%); highest among the groups gnomAD compares: Non-Finnish European, 0.00025%; no homozygotes.

Submission:

Women's Health and Genetics/Laboratory Corporation of America, LabCorp
Classification: Uncertain significance. Last evaluated: 2025-06-30. Review status: criteria provided, single submitter. Criteria: LabCorp Variant Classification Summary - May 2015. Collection method: clinical testing. Allele origin: germline.
Comment: Variant summary: GHRHR c.*6C>G is located in the untranslated mRNA region downstream of the termination codon. The variant allele was found at a frequency of 4e-06 in 250904 control chromosomes. The available data on variant occurrences in the general population are insufficient to allow any conclusion about variant significance. To our knowledge, no occurrence of c.*6C>G in individuals affected with Isolated growth hormone deficiency, type 4 and no experimental evidence demonstrating its impact on protein function have been reported. No submitters have cited clinical-significance assessments for this variant to ClinVar. Based on the evidence outlined above, the variant was classified as uncertain significance.